The following is an entry in ClinVar:

NM_001256071.3(RNF213):c.7115A>G (p.Lys2372Arg)

Gene: RNF213 (ring finger protein 213; plus strand). Cytogenetic location: 17q25.3.
Variant type: single nucleotide variant.
Coding change: c.7115A>G on transcript NM_001256071.3 (MANE Select); coding-DNA position 7115, A replaced by G.
Protein change: p.Lys2372Arg; replaces lysine 2372 with arginine.
Molecular consequence: missense variant.
Genome position (GRCh38, 1-based): chr17:80,345,450, A>G. VCF-style: chr17-80345450-A-G. GRCh37 (hg19) VCF-style: chr17-78319250-A-G.
Other names: c.7262A>G, p.Lys2421Arg (NM_001410195.1, NM_020914.5); short protein forms K2372R, K2421R.
Identifiers: ClinVar variation 3616409 (VCV003616409.2).

ClinVar aggregate classification (germline): Uncertain significance (1 of 4 stars; one submission).

Submission:

Labcorp Genetics (formerly Invitae), Labcorp
Classification: Uncertain significance. Last evaluated: 2024-08-05. Review status: criteria provided, single submitter. Criteria: Invitae Variant Classification Sherloc (09022015). Collection method: clinical testing. Allele origin: germline.
Comment: This sequence change replaces lysine, which is basic and polar, with arginine, which is basic and polar, at codon 2372 of the RNF213 protein (p.Lys2372Arg). This variant is not present in population databases (gnomAD no frequency). This variant has not been reported in the literature in individuals affected with RNF213-related conditions. An algorithm developed to predict the effect of missense changes on protein structure and function (PolyPhen-2) suggests that this variant is likely to be tolerated. In summary, the available evidence is currently insufficient to determine the role of this variant in disease. Therefore, it has been classified as a Variant of Uncertain Significance.